The following is an entry in ClinVar:

ClinVar aggregate classification (germline): Uncertain significance. Review status: criteria provided, multiple submitters, no conflicts (2 of 4 stars). 2 submissions from 2 submitters: Uncertain significance (2). Last evaluated 2025-07-12.

Conditions:
Cardiovascular phenotype. Identifiers: MedGen CN230736.

Submissions (2):

Ambry Genetics
Classification: Uncertain significance for Cardiovascular phenotype. Last evaluated: 2025-07-12. Review status: criteria provided, single submitter. Criteria: Ambry Variant Classification Scheme 2023. Collection method: clinical testing. Allele origin: germline.
Comment: The p.G1329E variant (also known as c.3986G>A), located in coding exon 6 of the ALPK3 gene, results from a G to A substitution at nucleotide position 3986. The glycine at codon 1329 is replaced by glutamic acid, an amino acid with similar properties. This amino acid position is conserved. In addition, this alteration is predicted to be tolerated by in silico analysis. Based on the available evidence, the clinical significance of this variant remains unclear.

Labcorp Genetics (formerly Invitae), Labcorp
Classification: Uncertain significance. Last evaluated: 2022-07-02. Review status: criteria provided, single submitter. Criteria: Invitae Variant Classification Sherloc (09022015). Collection method: clinical testing. Allele origin: germline.
Comment: Algorithms developed to predict the effect of missense changes on protein structure and function output the following: SIFT: "Deleterious"; PolyPhen-2: "Benign"; Align-GVGD: "Class C0". The glutamic acid amino acid residue is found in multiple mammalian species, which suggests that this missense change does not adversely affect protein function. This variant has not been reported in the literature in individuals affected with ALPK3-related conditions. This variant is not present in population databases (gnomAD no frequency). This sequence change replaces glycine, which is neutral and non-polar, with glutamic acid, which is acidic and polar, at codon 1329 of the ALPK3 protein (p.Gly1329Glu). In summary, the available evidence is currently insufficient to determine the role of this variant in disease. Therefore, it has been classified as a Variant of Uncertain Significance.

NM_020778.5(ALPK3):c.3380G>A (p.Gly1127Glu)

Gene: ALPK3 (alpha kinase 3; plus strand). Cytogenetic location: 15q25.3.
Variant type: single nucleotide variant.
Coding change: c.3380G>A on transcript NM_020778.5 (MANE Select); coding-DNA position 3380, G replaced by A.
Protein change: p.Gly1127Glu; replaces glycine 1127 with glutamic acid.
Molecular consequence: missense variant.
Genome position (GRCh38, 1-based): chr15:84,858,118, G>A. VCF-style: chr15-84858118-G-A. GRCh37 (hg19) VCF-style: chr15-85401349-G-A.
Other names: c.3986G>A (NM_020778.4); short protein forms G1127E.
Identifiers: ClinVar variation 1935597 (VCV001935597.6), dbSNP rs768223337, ClinGen allele CA393360150.